The following is an entry in ClinVar:

NM_005918.4(MDH2):c.368C>T (p.Thr123Ile)

Gene: MDH2 (malate dehydrogenase 2; plus strand). Cytogenetic location: 7q11.23.
Variant type: single nucleotide variant.
Coding change: c.368C>T on transcript NM_005918.4 (MANE Select); coding-DNA position 368, C replaced by T.
Protein change: p.Thr123Ile; replaces threonine 123 with isoleucine.
Molecular consequence: missense variant.
Genome position (GRCh38, 1-based): chr7:76,058,017, C>T. VCF-style: chr7-76058017-C-T. GRCh37 (hg19) VCF-style: chr7-75687335-C-T.
Other names: c.368C>T, p.Thr123Ile (NM_001282403.2); c.47C>T, p.Thr16Ile (NM_001282404.2); short protein forms T123I, T16I.
Identifiers: ClinVar variation 1478430 (VCV001478430.8), dbSNP rs535960604, ClinGen allele CA4305510.

ClinVar aggregate classification (germline): Uncertain significance (1 of 4 stars; one submission).

Allele frequency attached by ClinVar (database versions not stated): ExAC 0.00001; gnomAD 0.00001; gnomAD exomes 0.00001; TOPMed 0.00001; 1000 Genomes Project 30x 0.00016; 1000 Genomes Project 0.00020.

Submission:

Labcorp Genetics (formerly Invitae), Labcorp
Classification: Uncertain significance. Last evaluated: 2025-08-13. Review status: criteria provided, single submitter. Criteria: Invitae Variant Classification Sherloc (09022015). Collection method: clinical testing. Allele origin: germline.
Comment: This sequence change replaces threonine, which is neutral and polar, with isoleucine, which is neutral and non-polar, at codon 123 of the MDH2 protein (p.Thr123Ile). This variant is present in population databases (rs535960604, gnomAD 0.007%). This variant has not been reported in the literature in individuals affected with MDH2-related conditions. ClinVar contains an entry for this variant (Variation ID: 1478430). Invitae Evidence Modeling of protein sequence and biophysical properties (such as structural, functional, and spatial information, amino acid conservation, physicochemical variation, residue mobility, and thermodynamic stability) indicates that this missense variant is not expected to disrupt MDH2 protein function with a negative predictive value of 80%. In summary, the available evidence is currently insufficient to determine the role of this variant in disease. Therefore, it has been classified as a Variant of Uncertain Significance.